The following is an entry in ClinVar:

ClinVar aggregate classification (germline): Uncertain significance. Review status: criteria provided, multiple submitters, no conflicts (2 of 4 stars). 2 submissions from 2 submitters: Uncertain significance (2). Last evaluated 2023-02-14.

Conditions:
Tumor predisposition syndrome 3 (TPDS3). Also called: Melanoma, cutaneous malignant, susceptibility to, 10; Glioma susceptibility 9; LONG TELOMERE SYNDROME, POT1-RELATED; POT1 Tumor Predisposition. Identifiers: Orphanet 618, MedGen C4014476, MONDO:0014368, OMIM 615848.
Hereditary cancer-predisposing syndrome. Also called: Neoplastic Syndromes, Hereditary; Tumor predisposition; Hereditary Cancer Syndrome; Hereditary neoplastic syndrome. Identifiers: Orphanet 140162, MedGen C0027672, MeSH D009386, MONDO:0015356.

Allele frequency attached by ClinVar (database versions not stated): gnomAD exomes below 0.00001.
gnomAD v4.1: 1 of 1,584,400 alleles (0.000063%); highest among the groups gnomAD compares: East Asian, 0.0023%; no homozygotes.

Submissions (2):

Labcorp Genetics (formerly Invitae), Labcorp
Classification: Uncertain significance for Tumor predisposition syndrome 3. Last evaluated: 2023-02-14. Review status: criteria provided, single submitter. Criteria: Invitae Variant Classification Sherloc (09022015). Collection method: clinical testing. Allele origin: germline.
Comment: In summary, the available evidence is currently insufficient to determine the role of this variant in disease. Therefore, it has been classified as a Variant of Uncertain Significance. Algorithms developed to predict the effect of sequence changes on RNA splicing suggest that this variant may create or strengthen a splice site. An algorithm developed to predict the effect of missense changes on protein structure and function (PolyPhen-2) suggests that this variant is likely to be disruptive. This variant has not been reported in the literature in individuals affected with POT1-related conditions. This variant is not present in population databases (gnomAD no frequency). This sequence change replaces glycine, which is neutral and non-polar, with arginine, which is basic and polar, at codon 502 of the POT1 protein (p.Gly502Arg).

Ambry Genetics
Classification: Uncertain significance for Hereditary cancer-predisposing syndrome. Last evaluated: 2022-12-14. Review status: criteria provided, single submitter. Criteria: Ambry Variant Classification Scheme 2023. Collection method: clinical testing. Allele origin: germline.
Comment: The p.G502R variant (also known as c.1504G>A), located in coding exon 11 of the POT1 gene, results from a G to A substitution at nucleotide position 1504. The glycine at codon 502 is replaced by arginine, an amino acid with dissimilar properties. This amino acid position is conserved. In addition, this alteration is predicted to be deleterious by in silico analysis. Since supporting evidence is limited at this time, the clinical significance of this alteration remains unclear.

NM_015450.3(POT1):c.1504G>A (p.Gly502Arg)

Gene: POT1 (protection of telomeres 1; minus strand). Cytogenetic location: 7q31.33.
Variant type: single nucleotide variant.
Coding change: c.1504G>A on transcript NM_015450.3 (MANE Select); coding-DNA position 1504, G replaced by A.
Protein change: p.Gly502Arg; replaces glycine 502 with arginine.
Molecular consequence: missense variant. On other transcripts: non-coding transcript variant (3).
Genome position (GRCh38, 1-based): chr7:124,835,280, C>T on the plus strand (G>A on the coding strand, the complement: POT1 is on the minus strand). VCF-style: chr7-124835280-C-T. GRCh37 (hg19) VCF-style: chr7-124475334-C-T.
Other names: c.1504G>A (NM_015450.2); c.1111G>A, p.Gly371Arg (NM_001042594.2); short protein forms G502R, G371R.
Identifiers: ClinVar variation 2201685 (VCV002201685.6), dbSNP rs2485374053, ClinGen allele CA369065357.